The following is an entry in ClinVar:

NM_194454.3(KRIT1):c.1549del (p.Glu517fs)

Gene: KRIT1 (KRIT1 ankyrin repeat containing; minus strand). Cytogenetic location: 7q21.2.
Variant type: Deletion.
Coding change: c.1549del on transcript NM_194454.3 (MANE Select); coding-DNA position 1549, one base deleted (G; older notation c.1549delG).
Protein change: p.Glu517fs; shifts the reading frame from glutamic acid 517.
Molecular consequence: frameshift variant.
Genome position (GRCh38, 1-based): chr7:92,221,916, C deleted on the plus strand (G on the coding strand, the reverse complement: KRIT1 is on the minus strand); the first of 2 consecutive C bases (chr7:92,221,916-92,221,917); deleting either gives the same sequence. VCF-style (leftmost placement, unchanged base first): chr7-92221915-TC-T. GRCh37 (hg19) VCF-style: chr7-91851229-TC-T.
Other names: c.1405del, p.Glu469fs (NM_001013406.2, NM_001350669.1, NM_001350670.1); c.835del, p.Glu279fs (NM_001350671.1); c.1549del, p.Glu517fs (NM_001350672.1, NM_001350673.1, NM_001350674.1 and 26 more transcripts); short protein forms E279fs, E469fs, E517fs.
Identifiers: ClinVar variation 4851869 (VCV004851869.1).

ClinVar aggregate classification (germline): Likely pathogenic (1 of 4 stars; one submission).

Submission:

Dasa
Classification: Likely pathogenic. Last evaluated: 2024-06-05. Review status: criteria provided, single submitter. Criteria: DASA Assertion Criteria. Collection method: clinical testing. Allele origin: germline.
Comment: NM_194454.3(KRIT1):c.1549del (p.Glu517Lysfs*10) introduces a premature termination codon predicted to result in loss of normal protein function. Loss-of-function is an established mechanism of disease for this gene. Multiple computational predictions support a deleterious effect on the gene or gene product. Based on the available data, this variant is classified as likely pathogenic.